The following is an entry in ClinVar:

NM_000112.4(SLC26A2):c.74C>G (p.Ser25Cys)

Gene: SLC26A2 (solute carrier family 26 member 2; plus strand). Cytogenetic location: 5q32.
Variant type: single nucleotide variant.
Coding change: c.74C>G on transcript NM_000112.4 (MANE Select); coding-DNA position 74, C replaced by G.
Protein change: p.Ser25Cys; replaces serine 25 with cysteine.
Molecular consequence: missense variant.
Genome position (GRCh38, 1-based): chr5:149,977,726, C>G. VCF-style: chr5-149977726-C-G. GRCh37 (hg19) VCF-style: chr5-149357289-C-G.
Other names: short protein forms S25C.
Identifiers: ClinVar variation 2165609 (VCV002165609.1), dbSNP rs750742962, ClinGen allele CA129082207.

ClinVar aggregate classification (germline): Uncertain significance (1 of 4 stars; one submission).

Conditions:
Achondrogenesis, type IB (ACG1B). Also called: Achondrogenesis Type 1B. Identifiers: Orphanet 932, Orphanet 93298, MedGen C0265274, MONDO:0010966, OMIM 600972.
Multiple epiphyseal dysplasia type 4 (EDM4). Also called: SLC26A2-Related Multiple Epiphyseal Dysplasia; Multiple Epiphyseal Dysplasia, Recessive; MULTIPLE EPIPHYSEAL DYSPLASIA WITH BILAYERED PATELLAE; MULTIPLE EPIPHYSEAL DYSPLASIA WITH CLUBFOOT; MULTIPLE EPIPHYSEAL DYSPLASIA, AUTOSOMAL RECESSIVE. Identifiers: Orphanet 93307, MedGen C1847593, MONDO:0009189, OMIM 226900.
Atelosteogenesis type II (AO2). Also called: Neonatal osseous dysplasia 1; SLC26A2-Related Atelosteogenesis; NEONATAL OSSEOUS DYSPLASIA I. Identifiers: Orphanet 56304, MedGen C1850554, MONDO:0009727, OMIM 256050.
Diastrophic dysplasia (DTD). Also called: Diastrophic dwarfism. Identifiers: Orphanet 628, MedGen C0220726, MONDO:0009107, OMIM 222600.

gnomAD v4.1: 18 of 1,613,768 alleles (0.0011%); highest among the groups gnomAD compares: Non-Finnish European, 0.0014%; no homozygotes.

Submission:

Labcorp Genetics (formerly Invitae), Labcorp
Classification: Uncertain significance for Atelosteogenesis type II; Multiple epiphyseal dysplasia type 4; Achondrogenesis, type IB; Diastrophic dysplasia. Last evaluated: 2021-12-20. Review status: criteria provided, single submitter. Criteria: Invitae Variant Classification Sherloc (09022015). Collection method: clinical testing. Allele origin: germline.
Comment: This sequence change replaces serine, which is neutral and polar, with cysteine, which is neutral and slightly polar, at codon 25 of the SLC26A2 protein (p.Ser25Cys). This variant is not present in population databases (gnomAD no frequency). This variant has not been reported in the literature in individuals affected with SLC26A2-related conditions. Advanced modeling of protein sequence and biophysical properties (such as structural, functional, and spatial information, amino acid conservation, physicochemical variation, residue mobility, and thermodynamic stability) performed at Invitae indicates that this missense variant is not expected to disrupt SLC26A2 protein function. In summary, the available evidence is currently insufficient to determine the role of this variant in disease. Therefore, it has been classified as a Variant of Uncertain Significance.